The following is an entry in ClinVar:

NM_001145809.2(MYH14):c.3300C>T (p.Arg1100=)

Gene: MYH14 (myosin heavy chain 14; plus strand). Cytogenetic location: 19q13.33.
Variant type: single nucleotide variant.
Coding change: c.3300C>T on transcript NM_001145809.2 (MANE Select); coding-DNA position 3300, C replaced by T.
Protein change: p.Arg1100=; no amino-acid change (arginine 1100 retained).
Molecular consequence: synonymous variant.
Genome position (GRCh38, 1-based): chr19:50,272,564, C>T. VCF-style: chr19-50272564-C-T. GRCh37 (hg19) VCF-style: chr19-50775821-C-T.
Other names: c.3201C>T, p.Arg1067= (NM_001077186.2); c.3177C>T, p.Arg1059= (NM_024729.4).
Identifiers: ClinVar variation 3029269 (VCV003029269.2), dbSNP rs2514414276, ClinGen allele CA508176501.

ClinVar aggregate classification (germline): Likely benign (0 of 4 stars; one submission).

Conditions:
MYH14-related disorder. Also called: MYH14-related condition.

Submission:

PreventionGenetics, part of Exact Sciences
Classification: Likely benign for MYH14-related condition. Last evaluated: 2021-06-22. Review status: no assertion criteria provided. Collection method: clinical testing. Allele origin: germline.
Comment: This variant is classified as likely benign based on ACMG/AMP sequence variant interpretation guidelines (Richards et al. 2015 PMID: 25741868, with internal and published modifications).